The following is an entry in ClinVar:

NM_007294.4(BRCA1):c.386del (p.Gly129fs)

Gene: BRCA1 (BRCA1 DNA repair associated; minus strand). Cytogenetic location: 17q21.31.
Variant type: Deletion.
Coding change: c.386del on transcript NM_007294.4 (MANE Select); coding-DNA position 386, one base deleted (G; older notation c.386delG).
Protein change: p.Gly129fs; shifts the reading frame from glycine 129.
Molecular consequence: frameshift variant. On other transcripts: non-coding transcript variant (1).
Genome position (GRCh38, 1-based): chr17:43,104,177, C deleted on the plus strand (G on the coding strand, the reverse complement: BRCA1 is on the minus strand); the first of 3 consecutive C bases (chr17:43,104,177-43,104,179); deleting any one gives the same sequence. VCF-style (leftmost placement, unchanged base first): chr17-43104176-GC-G. GRCh37 (hg19) VCF-style: chr17-41256193-GC-G.
Other names: c.386delG (NM_007294.3); c.174delG, p.Gly59Alafs (NM_001407908.1, NM_001407909.1, NM_001407910.1 and 58 more transcripts); c.384delG, p.Gly129Alafs (NM_001407919.1, NM_001407937.1, NM_001407938.1 and 163 more transcripts); c.243delG, p.Gly82Alafs (NM_001407920.1, NM_001407921.1, NM_001407922.1 and 98 more transcripts); c.3delG, p.Gly2Alafs (NM_001407959.1, NM_001407960.1, NM_001407962.1 and 4 more transcripts); c.375delG, p.Gly126Alafs (NM_001408408.1, NM_001407646.1, NM_001407647.1); c.306delG, p.Gly103Alafs (NM_001408409.1, NM_001408411.1, NM_001408412.1 and 21 more transcripts); c.252delG, p.Gly85Alafs (NM_001408451.1); and 2 more; short protein forms G82fs, G129fs.
Identifiers: ClinVar variation 431198 (VCV000431198.19), dbSNP rs1135401836, ClinGen allele CA645373201.
Genomic context (GRCh38, chr17:43,104,176, plus strand): 5'-TTTTACCAAGGAAGGATTTTCGGGTTCACTCTGTAGAAGTCTTTTGGCACGGTTTCTGTA[GC>G]CCATACTTTGGATGATAGAAACTTCATCTTTTAGATGTTCAGGAGAGTTATTTTCCTTTT-3'

ClinVar aggregate classification (germline): Pathogenic. Review status: reviewed by expert panel (3 of 4 stars). 3 submissions from 3 submitters: Pathogenic (1). 2 of the submissions do not count toward it. Last evaluated 2017-12-15.

Conditions:
Hereditary breast ovarian cancer syndrome. Also called: Hereditary breast and ovarian cancer syndrome (HBOC); BRCA1- and BRCA2-Associated Hereditary Breast and Ovarian Cancer; Hereditary breast and/or ovarian cancer syndrome; Hereditary breast and ovarian cancer syndrome; Hereditary breast and ovarian cancer; Breast and ovarian cancer. Identifiers: Orphanet 145, MedGen C0677776, MeSH D061325, MONDO:0003582. Disease mechanism: loss of function.
Breast-ovarian cancer, familial, susceptibility to, 1 (BROVCA1). Also called: BRCA1 Hereditary Breast and Ovarian Cancer; OVARIAN CANCER, SUSCEPTIBILITY TO. Identifiers: Orphanet 145, MedGen C2676676, MONDO:0011450, OMIM 604370. Disease mechanism: loss of function.

Submissions (3):

Evidence-based Network for the Interpretation of Germline Mutant Alleles (ENIGMA)
Classification: Pathogenic for Breast-ovarian cancer, familial, susceptibility to, 1. Last evaluated: 2017-12-15. Review status: reviewed by expert panel. Criteria: ENIGMA BRCA1/2 Classification Criteria (2017-06-29). Collection method: curation. Allele origin: germline. Study: ENIGMA.
Comment: Variant allele predicted to encode a truncated non-functional protein.

deCODE genetics, Amgen
Classification: Pathogenic for Breast-ovarian cancer, familial, susceptibility to, 1. Last evaluated: 2023-07-21. Review status: no assertion criteria provided. Collection method: research. Allele origin: germline. Affected: yes. Observed: 24 variant alleles. Not counted in ClinVar's aggregate classification.
Comment: The variant NM_007294.4:c.386del (chr17:43104176) in BRCA1 was detected in 9 heterozygotes out of 58K WGS Icelanders (MAF= 0,008%). Following imputation in a set of 166K Icelanders (24 imputed heterozygotes) we observed an association with ovarian cancer using 907 cases and 299709 controls (OR= 44.59, P= 1.14e-06) and breast cancer using 6908 cases and 292623 controls (OR= 19.57, P= 1.52e-06). This variant has been reported in ClinVar previously as pathogenic. Based on ACMG criteria (PVS1, PS4, PP1, PP5) this variant classifies as pathogenic.

Research Molecular Genetics Laboratory, Women's College Hospital, University of Toronto
Classification: Pathogenic for Hereditary breast ovarian cancer syndrome. Last evaluated: 2014-01-31. Review status: no assertion criteria provided. Collection method: research. Allele origin: germline. Affected: yes. Study: The Canadian Open Genetics Repository (COGR). Not counted in ClinVar's aggregate classification.